The following is an entry in ClinVar:

ClinVar aggregate classification (germline): Benign/Likely benign. Review status: criteria provided, multiple submitters, no conflicts (2 of 4 stars). 2 submissions from 2 submitters: Benign (1); Likely benign (1). Last evaluated 2024-07-25.

Conditions:
Familial cancer of breast. Also called: hereditary breast carcinoma; Hereditary breast cancer; BREAST CANCER, FAMILIAL. Identifiers: Orphanet 227535, MedGen C0346153, MONDO:0016419, OMIM 114480. Disease mechanism: loss of function.

Submissions (2):

Myriad Genetics, Inc.
Classification: Benign for Familial cancer of breast. Last evaluated: 2024-07-25. Review status: criteria provided, single submitter. Criteria: Myriad Autosomal Dominant, Autosomal Recessive and X-Linked Classification Criteria (2023). Collection method: clinical testing. Allele origin: unknown.
Comment: This variant is considered benign. This variant is a silent/synonymous amino acid change and it is not expected to impact splicing.

Labcorp Genetics (formerly Invitae), Labcorp
Classification: Likely benign for Familial cancer of breast. Last evaluated: 2023-09-30. Review status: criteria provided, single submitter. Criteria: Invitae Variant Classification Sherloc (09022015). Collection method: clinical testing. Allele origin: germline.

NM_000465.4(BARD1):c.1551A>G (p.Gly517=)

Gene: BARD1 (BRCA1 associated RING domain 1; minus strand). Cytogenetic location: 2q35.
Variant type: single nucleotide variant.
Coding change: c.1551A>G on transcript NM_000465.4 (MANE Select); coding-DNA position 1551, A replaced by G.
Protein change: p.Gly517=; no amino-acid change (glycine 517 retained).
Molecular consequence: synonymous variant. On other transcripts: non-coding transcript variant (3), intron variant (3).
Genome position (GRCh38, 1-based): chr2:214,767,499, T>C on the plus strand (A>G on the coding strand, the complement: BARD1 is on the minus strand). VCF-style: chr2-214767499-T-C. GRCh37 (hg19) VCF-style: chr2-215632223-T-C.
Other names: c.1494A>G, p.Gly498= (NM_001282543.2); c.159-14944A>G (NM_001282548.2); c.216-14944A>G (NM_001282545.2); c.364+24798A>G (NM_001282549.2).
Identifiers: ClinVar variation 2997279 (VCV002997279.4), dbSNP rs2469442511, ClinGen allele CA431128937.
Genomic context (GRCh38, chr2:214,767,499, plus strand): 5'-TATAGGTCCATTTTAAAAATAATTTTTACGTTGAACTACTTACACAGCATTTCTGGAGGC[T>C]CCATAGGAAAGTAACAGCTTGACTATATCCACATGCCCATTCTTGGCTGCATCGTGAAGT-3'
Protein context (NP_000456.2, residues 507-527): VDIVKLLLSY[Gly517=]ASRNAVNIFG